The following is an entry in ClinVar:

ClinVar aggregate classification (germline): Benign. Review status: criteria provided, multiple submitters, no conflicts (2 of 4 stars). 4 submissions from 4 submitters: Benign (3). 1 of the submissions does not count toward it. Last evaluated 2026-07-01.

Conditions:
SCLT1-related disorder. Also called: SCLT1-related condition.

Allele frequency attached by ClinVar (database versions not stated): 1000 Genomes Project 0.00499; 1000 Genomes Project 30x 0.00500; ExAC 0.00887; gnomAD exomes 0.00991 and 0.01269; gnomAD 0.01012 and 0.01018; TOPMed 0.01025; ESP Exome Variant Server 0.01161.
gnomAD v4.1: 19,663 of 1,569,278 alleles (1.3%); highest among the groups gnomAD compares: Middle Eastern, 2.3%; 161 homozygotes.

Submissions (4):

CeGaT Center for Human Genetics Tuebingen
Classification: Benign. Last evaluated: 2026-07-01. Review status: criteria provided, single submitter. Criteria: CeGaT Center For Human Genetics Tuebingen Variant Classification Criteria Version 2. Collection method: clinical testing. Allele origin: germline. Affected: yes. Observed: 11 variant alleles.
Comment: SCLT1: BP4, BS1, BS2

Labcorp Genetics (formerly Invitae), Labcorp
Classification: Benign. Last evaluated: 2026-02-01. Review status: criteria provided, single submitter. Criteria: Invitae Variant Classification Sherloc (09022015). Collection method: clinical testing. Allele origin: germline.

Breakthrough Genomics
Classification: Benign. Review status: criteria provided, single submitter. Criteria: ACMG Guidelines, 2015. Collection method: not provided. Allele origin: germline. Inheritance: Unknown mechanism. Affected: yes.

PreventionGenetics, part of Exact Sciences
Classification: Benign for SCLT1-related condition. Last evaluated: 2019-11-05. Review status: no assertion criteria provided. Collection method: clinical testing. Allele origin: germline. Not counted in ClinVar's aggregate classification.
Comment: This variant is classified as benign based on ACMG/AMP sequence variant interpretation guidelines (Richards et al. 2015 PMID: 25741868, with internal and published modifications).

NM_144643.4(SCLT1):c.768G>T (p.Met256Ile)

Gene: SCLT1 (sodium channel and clathrin linker 1; minus strand). Cytogenetic location: 4q28.2.
Variant type: single nucleotide variant.
Coding change: c.768G>T on transcript NM_144643.4 (MANE Select); coding-DNA position 768, G replaced by T.
Protein change: p.Met256Ile; replaces methionine 256 with isoleucine.
Molecular consequence: missense variant.
Genome position (GRCh38, 1-based): chr4:128,970,387, C>A on the plus strand (G>T on the coding strand, the complement: SCLT1 is on the minus strand). VCF-style: chr4-128970387-C-A. GRCh37 (hg19) VCF-style: chr4-129891542-C-A.
Other names: short protein forms M256I.
Identifiers: ClinVar variation 771146 (VCV000771146.27), dbSNP rs141863899, ClinGen allele CA3079827.